The following is an entry in ClinVar:

NM_000186.4(CFH):c.1418C>T (p.Ala473Val)

Gene: CFH (complement factor H; plus strand). Cytogenetic location: 1q31.3.
Variant type: single nucleotide variant.
Coding change: c.1418C>T on transcript NM_000186.4 (MANE Select); coding-DNA position 1418, C replaced by T.
Protein change: p.Ala473Val; replaces alanine 473 with valine.
Molecular consequence: missense variant.
Genome position (GRCh38, 1-based): chr1:196,713,816, C>T. VCF-style: chr1-196713816-C-T. GRCh37 (hg19) VCF-style: chr1-196682946-C-T.
Other names: p.Ala473Val; short protein forms A473V.
Identifiers: ClinVar variation 875087 (VCV000875087.18), dbSNP rs371053403, ClinGen allele CA1305391.

ClinVar aggregate classification (germline): Conflicting classifications of pathogenicity. Review status: criteria provided, conflicting classifications (1 of 4 stars). 8 submissions from 5 submitters: Uncertain significance (7); Benign (1). Last evaluated 2025-11-28.

Conditions:
CFH-related disorder. Also called: CFH-related disorders; CFH-related condition.
Age related macular degeneration 4. Identifiers: MedGen C1853147, MONDO:0012540, OMIM 610698.
CFH-Related Dense Deposit Disease / Membranoproliferative Glomerulonephritis Type II. Identifiers: MedGen CN071292.
Basal laminar drusen. Also called: DRUSEN OF BRUCH MEMBRANE; DRUSEN, CUTICULAR; DRUSEN, EARLY ADULT-ONSET, GROUPED. Identifiers: Orphanet 75376, MedGen C0730295, MONDO:0007472, OMIM 126700.
Hemolytic uremic syndrome, atypical, susceptibility to, 1. Also called: AHUS, SUSCEPTIBILITY TO, 1. Identifiers: Orphanet 2134, Orphanet 90038, MedGen C2749604, MONDO:0009335, OMIM 235400. Disease mechanism: Other.

Allele frequency attached by ClinVar (database versions not stated): gnomAD 0.00006 and 0.00007; gnomAD exomes 0.00007 and 0.00009; ExAC 0.00008; ESP Exome Variant Server 0.00008; TOPMed 0.00008; 1000 Genomes Project 0.00020; 1000 Genomes Project 30x 0.00031.
gnomAD v4.1: 113 of 1,611,422 alleles (0.007%); highest among the groups gnomAD compares: Admixed American, 0.012%; no homozygotes.

Submissions (8):

Labcorp Genetics (formerly Invitae), Labcorp
Classification: Uncertain significance. Last evaluated: 2025-11-28. Review status: criteria provided, single submitter. Criteria: Invitae Variant Classification Sherloc (09022015). Collection method: clinical testing. Allele origin: germline.
Comment: This sequence change replaces alanine, which is neutral and non-polar, with valine, which is neutral and non-polar, at codon 473 of the CFH protein (p.Ala473Val). This variant is present in population databases (rs371053403, gnomAD 0.01%). This missense change has been observed in individual(s) with age-related macular degeneration (PMID: 26501415, 34508573). ClinVar contains an entry for this variant (Variation ID: 875087). An algorithm developed to predict the effect of missense changes on protein structure and function outputs the following: PolyPhen-2: "Benign". The valine amino acid residue is found in multiple mammalian species, which suggests that this missense change does not adversely affect protein function. In summary, the available evidence is currently insufficient to determine the role of this variant in disease. Therefore, it has been classified as a Variant of Uncertain Significance.

Genomenon, Inc
Classification: Uncertain significance for Age related macular degeneration 4. Last evaluated: 2025-10-02. Review status: criteria provided, single submitter. Criteria: Genomenon Sequence Variant Interpretation Standards - Updated. Collection method: curation. Allele origin: germline. Affected: yes.
Comment: CFH p.Ala473Val (c.1418C>T) is a missense variant that changes the amino acid at residue 473 from Alanine to Valine. This variant has been observed in at least one proband affected with age-related macular degeneration (PMID:26501415;34508573). It is absent or not present at a significant frequency in gnomAD. In silico models agree that this variant is not damaging. In conclusion, we classify CFH p.Ala473Val (c.1418C>T) as a variant of uncertain significance.

Mayo Clinic Laboratories, Mayo Clinic
Classification: Uncertain significance. Last evaluated: 2025-09-09. Review status: criteria provided, single submitter. Criteria: ACMG Guidelines, 2015. Collection method: clinical testing. Allele origin: germline. Observed: 2 variant alleles.
Comment: BP4_moderate

PreventionGenetics, part of Exact Sciences
Classification: Uncertain significance for CFH-related condition. Last evaluated: 2024-12-30. Review status: criteria provided, single submitter. Criteria: ACMG Guidelines, 2015. Collection method: clinical testing. Allele origin: germline.
Comment: The CFH c.1418C>T variant is predicted to result in the amino acid substitution p.Ala473Val. This variant was reported in two individuals with age-related macular degeneration (Triebwasser et al. 2015. PubMed ID: 26501415; de Jong et al. 2022. PubMed ID: 34508573). This variant is reported in 0.014% of alleles in individuals of Latino descent in gnomAD. At this time, the clinical significance of this variant is uncertain due to the absence of conclusive functional and genetic evidence.

Illumina Laboratory Services, Illumina
Classification: Uncertain significance for Membranoproliferative glomerulonephritis with complement factor h deficiency. Last evaluated: 2017-04-27. Review status: criteria provided, single submitter. Criteria: ICSL Variant Classification Criteria 13 December 2019. Collection method: clinical testing. Allele origin: germline.

Illumina Laboratory Services, Illumina
Classification: Benign for Hemolytic uremic syndrome, atypical, susceptibility to, 1. Last evaluated: 2017-04-27. Review status: criteria provided, single submitter. Criteria: ICSL Variant Classification Criteria 13 December 2019. Collection method: clinical testing. Allele origin: germline.
Comment: This variant was observed as part of a predisposition screen in an ostensibly healthy population. A literature search was performed for the gene, cDNA change, and amino acid change (where applicable). No publications were found based on this search. Allele frequency data from public databases was too high to be consistent with this variant causing disease. Therefore, this variant is classified as benign.

Illumina Laboratory Services, Illumina
Classification: Uncertain significance for Basal laminar drusen. Last evaluated: 2017-04-27. Review status: criteria provided, single submitter. Criteria: ICSL Variant Classification Criteria 13 December 2019. Collection method: clinical testing. Allele origin: germline.

Illumina Laboratory Services, Illumina
Classification: Uncertain significance for Age related macular degeneration 4. Last evaluated: 2017-04-27. Review status: criteria provided, single submitter. Criteria: ICSL Variant Classification Criteria 13 December 2019. Collection method: clinical testing. Allele origin: germline.

Literature cited by the submitters: PubMed 26501415 (cited by 3 submitters); PubMed 34508573 (cited by 3 submitters).